The following is an entry in ClinVar:

ClinVar aggregate classification (germline): Uncertain significance (1 of 4 stars; one submission).

Conditions:
Neurofibromatosis, type 1 (NF1). Also called: NEUROFIBROMATOSIS, TYPE I, SOMATIC; Peripheral type neurofibromatosis; VON RECKLINGHAUSEN DISEASE; Neurofibromatosis, type I. Identifiers: Orphanet 636, MedGen C0027831, MONDO:0018975, OMIM 162200. Disease mechanism: loss of function.

Submission:

Labcorp Genetics (formerly Invitae), Labcorp
Classification: Uncertain significance for Neurofibromatosis, type 1. Last evaluated: 2024-03-06. Review status: criteria provided, single submitter. Criteria: Invitae Variant Classification Sherloc (09022015). Collection method: clinical testing. Allele origin: germline.
Comment: This sequence change replaces phenylalanine, which is neutral and non-polar, with leucine, which is neutral and non-polar, at codon 1376 of the NF1 protein (p.Phe1376Leu). This variant is not present in population databases (gnomAD no frequency). This variant has not been reported in the literature in individuals affected with NF1-related conditions. ClinVar contains an entry for this variant (Variation ID: 1955547). Advanced modeling of protein sequence and biophysical properties (such as structural, functional, and spatial information, amino acid conservation, physicochemical variation, residue mobility, and thermodynamic stability) has been performed at Invitae for this missense variant, however the output from this modeling did not meet the statistical confidence thresholds required to predict the impact of this variant on NF1 protein function. In summary, the available evidence is currently insufficient to determine the role of this variant in disease. Therefore, it has been classified as a Variant of Uncertain Significance.

NM_001042492.3(NF1):c.4191C>G (p.Phe1397Leu)

Gene: NF1 (neurofibromin 1; plus strand). Cytogenetic location: 17q11.2.
Variant type: single nucleotide variant.
Coding change: c.4191C>G on transcript NM_001042492.3 (MANE Select); coding-DNA position 4191, C replaced by G.
Protein change: p.Phe1397Leu; replaces phenylalanine 1397 with leucine.
Molecular consequence: missense variant.
Genome position (GRCh38, 1-based): chr17:31,258,361, C>G. VCF-style: chr17-31258361-C-G. GRCh37 (hg19) VCF-style: chr17-29585379-C-G.
Other names: c.4128C>G, p.Phe1376Leu (NM_000267.4); short protein forms F1376L, F1397L.
Identifiers: ClinVar variation 1955547 (VCV001955547.5), dbSNP rs1555618498, ClinGen allele CA398997568.